The following is an entry in ClinVar:

NM_001164277.2(SLC37A4):c.590G>A (p.Arg197His)

Gene: SLC37A4 (solute carrier family 37 member 4; minus strand). Cytogenetic location: 11q23.3.
Variant type: single nucleotide variant.
Coding change: c.590G>A on transcript NM_001164277.2 (MANE Select); coding-DNA position 590, G replaced by A.
Protein change: p.Arg197His; replaces arginine 197 with histidine.
Molecular consequence: missense variant.
Genome position (GRCh38, 1-based): chr11:119,027,663, C>T on the plus strand (G>A on the coding strand, the complement: SLC37A4 is on the minus strand). VCF-style: chr11-119027663-C-T. GRCh37 (hg19) VCF-style: chr11-118898373-C-T.
Other names: c.590G>A, p.Arg197His (NM_001164278.2, NM_001164280.2, NM_001467.6); c.371G>A, p.Arg124His (NM_001164279.2); short protein forms R124H, R197H.
Identifiers: ClinVar variation 666169 (VCV000666169.8), dbSNP rs377180238, ClinGen allele CA229598954.

ClinVar aggregate classification (germline): Uncertain significance. Review status: criteria provided, multiple submitters, no conflicts (2 of 4 stars). 3 submissions from 3 submitters: Uncertain significance (2). 1 of the submissions does not count toward it. Last evaluated 2025-11-11.

Conditions:
Glucose-6-phosphate transport defect (GSD1B). Also called: Glycogen Storage Disease Type Ib; GSD Ib. Identifiers: Orphanet 364, Orphanet 79259, MedGen C0268146, MONDO:0009288, OMIM 232220.
Phosphate transport defect (GSD1C). Also called: GLYCOGEN STORAGE DISEASE Ic; GSD Ic. Identifiers: Orphanet 364, Orphanet 79259, MedGen C0342749, OMIM 232240.
Congenital disorder of glycosylation, type IIw. Identifiers: MedGen C5561986, MONDO:0030437, OMIM 619525.

Allele frequency attached by ClinVar (database versions not stated): gnomAD exomes 0.00002 and 0.00007; gnomAD 0.00003 and 0.00004; TOPMed 0.00003; ESP Exome Variant Server 0.00008.

Submissions (3):

Labcorp Genetics (formerly Invitae), Labcorp
Classification: Uncertain significance for Glucose-6-phosphate transport defect. Last evaluated: 2025-11-11. Review status: criteria provided, single submitter. Criteria: Invitae Variant Classification Sherloc (09022015). Collection method: clinical testing. Allele origin: germline.
Comment: This sequence change replaces arginine, which is basic and polar, with histidine, which is basic and polar, at codon 197 of the SLC37A4 protein (p.Arg197His). This variant is present in population databases (rs377180238, gnomAD 0.005%). This variant has not been reported in the literature in individuals affected with SLC37A4-related conditions. ClinVar contains an entry for this variant (Variation ID: 666169). Invitae Evidence Modeling of protein sequence and biophysical properties (such as structural, functional, and spatial information, amino acid conservation, physicochemical variation, residue mobility, and thermodynamic stability) indicates that this missense variant is not expected to disrupt SLC37A4 protein function with a negative predictive value of 80%. In summary, the available evidence is currently insufficient to determine the role of this variant in disease. Therefore, it has been classified as a Variant of Uncertain Significance.

Fulgent Genetics
Classification: Uncertain significance for Glucose-6-phosphate transport defect; Phosphate transport defect; Congenital disorder of glycosylation, type IIw. Last evaluated: 2021-07-09. Review status: criteria provided, single submitter. Criteria: ACMG Guidelines, 2015. Collection method: clinical testing. Allele origin: unknown.

Natera, Inc.
Classification: Uncertain significance for Glycogen storage disease type Ib. Last evaluated: 2020-09-16. Review status: no assertion criteria provided. Collection method: clinical testing. Allele origin: germline. Not counted in ClinVar's aggregate classification.